The following is an entry in ClinVar:

NM_001458.5(FLNC):c.2546A>G (p.Asn849Ser)

Gene: FLNC (filamin C; plus strand). Cytogenetic location: 7q32.1.
Variant type: single nucleotide variant.
Coding change: c.2546A>G on transcript NM_001458.5 (MANE Select); coding-DNA position 2546, A replaced by G.
Protein change: p.Asn849Ser; replaces asparagine 849 with serine.
Molecular consequence: missense variant.
Genome position (GRCh38, 1-based): chr7:128,842,950, A>G. VCF-style: chr7-128842950-A-G. GRCh37 (hg19) VCF-style: chr7-128483004-A-G.
Other names: c.2546A>G, p.Asn849Ser (NM_001127487.2); short protein forms N849S.
Identifiers: ClinVar variation 578498 (VCV000578498.7), dbSNP rs755425307, ClinGen allele CA4474760.

ClinVar aggregate classification (germline): Uncertain significance. Review status: criteria provided, multiple submitters, no conflicts (2 of 4 stars). 3 submissions from 3 submitters: Uncertain significance (3). Last evaluated 2025-04-09.

Conditions:
Cardiovascular phenotype. Identifiers: MedGen CN230736.
Dilated Cardiomyopathy, Dominant.
Hypertrophic cardiomyopathy 26. Also called: Cardiomyopathy, familial hypertrophic, 26. Identifiers: Orphanet 75249, MedGen C4310749, MONDO:0014883, OMIM 617047.
Myofibrillar myopathy 5. Also called: FILAMINOPATHY, AUTOSOMAL DOMINANT; Filaminopathy (type). Identifiers: Orphanet 171445, MedGen C1836050, MONDO:0012289, OMIM 609524.
Distal myopathy with posterior leg and anterior hand involvement. Also called: WILLIAMS DISTAL MYOPATHY. Identifiers: Orphanet 63273, MedGen C3279722, MONDO:0013550, OMIM 614065.

gnomAD v4.1: 1 of 1,613,884 alleles (0.000062%); highest among the groups gnomAD compares: Non-Finnish European, 0.000085%; no homozygotes.

Submissions (3):

Molecular Diagnostic Laboratory for Inherited Cardiovascular Disease, Montreal Heart Institute
Classification: Uncertain significance for Cardiovascular phenotype. Last evaluated: 2025-04-09. Review status: criteria provided, single submitter. Criteria: ACMG Guidelines, 2015. Collection method: clinical testing. Allele origin: germline. Affected: yes.
Comment: PM2, BP4

Labcorp Genetics (formerly Invitae), Labcorp
Classification: Uncertain significance for Distal myopathy with posterior leg and anterior hand involvement; Myofibrillar myopathy 5; Hypertrophic cardiomyopathy 26. Last evaluated: 2024-12-17. Review status: criteria provided, single submitter. Criteria: Invitae Variant Classification Sherloc (09022015). Collection method: clinical testing. Allele origin: germline.
Comment: This sequence change replaces asparagine, which is neutral and polar, with serine, which is neutral and polar, at codon 849 of the FLNC protein (p.Asn849Ser). This variant is present in population databases (rs755425307, gnomAD 0.0009%). This variant has not been reported in the literature in individuals affected with FLNC-related conditions. ClinVar contains an entry for this variant (Variation ID: 578498). Invitae Evidence Modeling of protein sequence and biophysical properties (such as structural, functional, and spatial information, amino acid conservation, physicochemical variation, residue mobility, and thermodynamic stability) has been performed for this missense variant. However, the output from this modeling did not meet the statistical confidence thresholds required to predict the impact of this variant on FLNC protein function. In summary, the available evidence is currently insufficient to determine the role of this variant in disease. Therefore, it has been classified as a Variant of Uncertain Significance.

Ambry Genetics
Classification: Uncertain significance for Cardiovascular phenotype. Last evaluated: 2023-12-18. Review status: criteria provided, single submitter. Criteria: Ambry Variant Classification Scheme 2023. Collection method: clinical testing. Allele origin: germline.